The following is an entry in ClinVar:

ClinVar aggregate classification (germline): Uncertain significance. Review status: criteria provided, multiple submitters, no conflicts (2 of 4 stars). 3 submissions from 3 submitters: Uncertain significance (3). Last evaluated 2025-10-02.

Conditions:
Congenital heart defects, multiple types, 4 (CHTD4). Identifiers: MedGen C4014310, MONDO:0014344, OMIM 615779.
Inborn genetic diseases. Identifiers: MedGen C0950123, MeSH D030342.

Allele frequency attached by ClinVar (database versions not stated): gnomAD exomes 0.00001; gnomAD 0.00002; TOPMed 0.00002.
gnomAD v4.1: 11 of 1,336,052 alleles (0.00082%); highest among the groups gnomAD compares: Non-Finnish European, 0.0011%; no homozygotes.

Submissions (3):

Labcorp Genetics (formerly Invitae), Labcorp
Classification: Uncertain significance for Congenital heart defects, multiple types, 4. Last evaluated: 2025-10-02. Review status: criteria provided, single submitter. Criteria: Invitae Variant Classification Sherloc (09022015). Collection method: clinical testing. Allele origin: germline.
Comment: This sequence change replaces proline, which is neutral and non-polar, with arginine, which is basic and polar, at codon 32 of the NR2F2 protein (p.Pro32Arg). This variant is not present in population databases (gnomAD no frequency). This variant has not been reported in the literature in individuals affected with NR2F2-related conditions. ClinVar contains an entry for this variant (Variation ID: 2042346). Invitae Evidence Modeling of protein sequence and biophysical properties (such as structural, functional, and spatial information, amino acid conservation, physicochemical variation, residue mobility, and thermodynamic stability) indicates that this missense variant is not expected to disrupt NR2F2 protein function with a negative predictive value of 95%. In summary, the available evidence is currently insufficient to determine the role of this variant in disease. Therefore, it has been classified as a Variant of Uncertain Significance.

Women's Health and Genetics/Laboratory Corporation of America, LabCorp
Classification: Uncertain significance. Last evaluated: 2025-06-07. Review status: criteria provided, single submitter. Criteria: LabCorp Variant Classification Summary - May 2015. Collection method: clinical testing. Allele origin: germline.

Ambry Genetics
Classification: Uncertain significance for Inborn genetic diseases. Last evaluated: 2024-02-26. Review status: criteria provided, single submitter. Criteria: Ambry Variant Classification Scheme 2023. Collection method: clinical testing. Allele origin: germline.

NM_021005.4(NR2F2):c.95C>G (p.Pro32Arg)

Gene: NR2F2 (nuclear receptor subfamily 2 group F member 2; plus strand). Cytogenetic location: 15q26.2.
Variant type: single nucleotide variant.
Coding change: c.95C>G on transcript NM_021005.4 (MANE Select); coding-DNA position 95, C replaced by G.
Protein change: p.Pro32Arg; replaces proline 32 with arginine.
Molecular consequence: missense variant. On other transcripts: intron variant (1).
Genome position (GRCh38, 1-based): chr15:96,332,200, C>G. VCF-style: chr15-96332200-C-G. GRCh37 (hg19) VCF-style: chr15-96875429-C-G.
Other names: c.44-1876C>G (NM_001145155.2); c.95C>G (NM_021005.3); short protein forms P32R.
Identifiers: ClinVar variation 2042346 (VCV002042346.6), dbSNP rs1360897061, ClinGen allele CA393929598.